The following is an entry in ClinVar:

ClinVar aggregate classification (germline): Uncertain significance (1 of 4 stars; one submission).

Conditions:
Spastic paraplegia. Identifiers: MedGen C0037772, HP:0001258.

Allele frequency attached by ClinVar (database versions not stated): TOPMed below 0.00001; gnomAD 0.00001.
gnomAD v4.1: 2 of 1,514,754 alleles (0.00013%); highest among the groups gnomAD compares: Admixed American, 0.0041%; no homozygotes.

Submission:

Labcorp Genetics (formerly Invitae), Labcorp
Classification: Uncertain significance for Spastic paraplegia. Last evaluated: 2022-11-29. Review status: criteria provided, single submitter. Criteria: Invitae Variant Classification Sherloc (09022015). Collection method: clinical testing. Allele origin: germline.
Comment: In summary, the available evidence is currently insufficient to determine the role of this variant in disease. Therefore, it has been classified as a Variant of Uncertain Significance. Advanced modeling of protein sequence and biophysical properties (such as structural, functional, and spatial information, amino acid conservation, physicochemical variation, residue mobility, and thermodynamic stability) performed at Invitae indicates that this missense variant is not expected to disrupt FA2H protein function. This variant has not been reported in the literature in individuals affected with FA2H-related conditions. This variant is not present in population databases (gnomAD no frequency). This sequence change replaces histidine, which is basic and polar, with glutamine, which is neutral and polar, at codon 42 of the FA2H protein (p.His42Gln).

NM_024306.5(FA2H):c.126C>A (p.His42Gln)

Genes: FA2H (fatty acid 2-hydroxylase; minus strand), LOC130059394 (ATAC-STARR-seq lymphoblastoid silent region 7701; plus strand). Cytogenetic location: 16q23.1.
Variant type: single nucleotide variant.
Coding change: c.126C>A on transcript NM_024306.5 (MANE Select); coding-DNA position 126, C replaced by A.
Protein change: p.His42Gln; replaces histidine 42 with glutamine.
Molecular consequence: missense variant.
Genome position (GRCh38, 1-based): chr16:74,774,630, G>T on the plus strand (C>A on the coding strand, the complement: FA2H is on the minus strand). VCF-style: chr16-74774630-G-T. GRCh37 (hg19) VCF-style: chr16-74808528-G-T.
Other names: short protein forms H42Q.
Identifiers: ClinVar variation 1991506 (VCV001991506.2), dbSNP rs1176139669, ClinGen allele CA396768366.
Genomic context (GRCh38, chr16:74,774,630, plus strand): 5'-CAGGTCGGCGCTGATGTCCTGGCCCGCCCTGGCCCGCAGCAGCTGCTCGCCCCCCGGGTG[G>T]TGCCGCACGAAGCTGGAGAGGTCGTAGAGGCGGGCCCCGCGGCGGACCCAGCACGCGCCG-3'
Protein context (NP_077282.3, residues 32-52): RLYDLSSFVR[His42Gln]HPGGEQLLRA